The following is an entry in ClinVar:

NM_004329.3(BMPR1A):c.829del (p.Ile277fs)

Gene: BMPR1A (bone morphogenetic protein receptor type 1A; plus strand). Cytogenetic location: 10q23.2.
Variant type: Deletion.
Coding change: c.829del on transcript NM_004329.3 (MANE Select); coding-DNA position 829, one base deleted (A; older notation c.829delA).
Protein change: p.Ile277fs; shifts the reading frame from isoleucine 277.
Molecular consequence: frameshift variant.
Genome position (GRCh38, 1-based): chr10:86,917,287, A deleted; the last of 3 consecutive A bases (chr10:86,917,285-86,917,287); deleting any one gives the same sequence. VCF-style (leftmost placement, unchanged base first): chr10-86917284-GA-G. GRCh37 (hg19) VCF-style: chr10-88677041-GA-G.
Other names: short protein forms I277fs.
Identifiers: ClinVar variation 1458755 (VCV001458755.6), dbSNP rs2133577213, ClinGen allele CA2573145707.
Genomic context (GRCh38, chr10:86,917,284, plus strand): 5'-GAAAAAGTGGCGGTGAAAGTATTCTTTACCACTGAAGAAGCCAGCTGGTTTCGAGAAACA[GA>G]AATCTACCAAACTGTGCTAATGCGCCATGAAAACATACTTGGTGGGTACACACTGATTCA-3'

ClinVar aggregate classification (germline): Pathogenic (1 of 4 stars; one submission).

Conditions:
Juvenile polyposis syndrome (JPS). Identifiers: Orphanet 2929, MedGen C0345893, MONDO:0017380, OMIM 174900.

Submission:

Labcorp Genetics (formerly Invitae), Labcorp
Classification: Pathogenic for Juvenile polyposis syndrome. Last evaluated: 2021-08-23. Review status: criteria provided, single submitter. Criteria: Invitae Variant Classification Sherloc (09022015). Collection method: clinical testing. Allele origin: germline.
Comment: This variant has not been reported in the literature in individuals affected with BMPR1A-related conditions. This variant is not present in population databases (ExAC no frequency). This sequence change creates a premature translational stop signal (p.Ile277Serfs*6) in the BMPR1A gene. It is expected to result in an absent or disrupted protein product. Loss-of-function variants in BMPR1A are known to be pathogenic (PMID: 11536076, 12417513). For these reasons, this variant has been classified as Pathogenic.

Literature cited by the submitters: PubMed 11536076; PubMed 12417513.